The following is an entry in ClinVar:

ClinVar aggregate classification (germline): Uncertain significance. Review status: criteria provided, multiple submitters, no conflicts (2 of 4 stars). 2 submissions from 2 submitters: Uncertain significance (2). Last evaluated 2025-09-07.

Conditions:
Inborn genetic diseases. Identifiers: MedGen C0950123, MeSH D030342.
Autosomal dominant polycystic kidney disease. Identifiers: Orphanet 730, MedGen C0085413, MONDO:0004691.

Submissions (2):

Labcorp Genetics (formerly Invitae), Labcorp
Classification: Uncertain significance for Autosomal dominant polycystic kidney disease. Last evaluated: 2025-09-07. Review status: criteria provided, single submitter. Criteria: Invitae Variant Classification Sherloc (09022015). Collection method: clinical testing. Allele origin: germline.
Comment: This sequence change replaces leucine, which is neutral and non-polar, with proline, which is neutral and non-polar, at codon 29 of the PKD2 protein (p.Leu29Pro). The frequency data for this variant in the population databases is considered unreliable, as metrics indicate insufficient coverage at this position in the gnomAD database. This variant has not been reported in the literature in individuals affected with PKD2-related conditions. ClinVar contains an entry for this variant (Variation ID: 3933020). An algorithm developed to predict the effect of missense changes on protein structure and function (PolyPhen-2) suggests that this variant is likely to be disruptive. In summary, the available evidence is currently insufficient to determine the role of this variant in disease. Therefore, it has been classified as a Variant of Uncertain Significance.

Ambry Genetics
Classification: Uncertain significance for Inborn genetic diseases. Last evaluated: 2025-05-06. Review status: criteria provided, single submitter. Criteria: Ambry Variant Classification Scheme 2023. Collection method: clinical testing. Allele origin: germline.

NM_000297.4(PKD2):c.86T>C (p.Leu29Pro)

Genes: PKD2 (polycystin 2, transient receptor potential cation channel; plus strand), LOC129992813 (ATAC-STARR-seq lymphoblastoid silent region 15559; plus strand). Cytogenetic location: 4q22.1.
Variant type: single nucleotide variant.
Coding change: c.86T>C on transcript NM_000297.4 (MANE Select); coding-DNA position 86, T replaced by C.
Protein change: p.Leu29Pro; replaces leucine 29 with proline.
Molecular consequence: missense variant. On other transcripts: non-coding transcript variant (1).
Genome position (GRCh38, 1-based): chr4:88,007,819, T>C. VCF-style: chr4-88007819-T-C. GRCh37 (hg19) VCF-style: chr4-88928971-T-C.
Other names: short protein forms L29P.
Identifiers: ClinVar variation 3933020 (VCV003933020.2).